The following is an entry in ClinVar:

ClinVar aggregate classification (germline): Uncertain significance (3 of 4 stars; one submission).

Conditions:
Glanzmann thrombasthenia. Also called: BLEEDING DISORDER, PLATELET-TYPE, 2; THROMBASTHENIA OF GLANZMANN AND NAEGELI; Thrombasthenia; Glanzmann's thrombasthenia; PLATELET GLYCOPROTEIN IIb-IIIa DEFICIENCY. Identifiers: Orphanet 849, MedGen C0040015, MONDO:0100326.

Submission:

ClinGen Platelet Disorders Variant Curation Expert Panel, ClinGen
Classification: Uncertain significance for Glanzmann thrombasthenia. Last evaluated: 2025-06-19. Review status: reviewed by expert panel. Criteria: ClinGen Platelet ACMG Specifications v2-1. Collection method: curation. Allele origin: germline. Inheritance: Autosomal recessive inheritance.
Comment: The c.383T>G variant in ITGB3 is a missense variant predicted to cause substitution of Isoleucine by Serine at amino acid 128 (p.Ile128Ser). At least one patient (Patient 10_F2 in PMID: 36672149) heterozygous for this variant displayed mucocutaneous bleeding and impaired aggregation with all agonists except ristocetin, which is highly specific for Glanzmann thrombasthenia. Additionally, αIIb and β3 surface expression were reduced to 1% and 0%, respectively, as measured by flow cytometry. This variant is absent from gnomAD v4.1.0 (PM2_Supporting). In summary, this variant meets the criteria to be classified as Uncertain Significance for autosomal recessive Glanzmann Thrombasthenia based on the ACMG/AMP criteria applied, as specified by the ClinGen PD VCEP: BP2 and PM2_Supporting (VCEP specifications version 2).

NM_000212.3(ITGB3):c.383T>G (p.Ile128Ser)

Gene: ITGB3 (integrin subunit beta 3; plus strand). Cytogenetic location: 17q21.32.
Variant type: single nucleotide variant.
Coding change: c.383T>G on transcript NM_000212.3 (MANE Select); coding-DNA position 383, T replaced by G.
Protein change: p.Ile128Ser; replaces isoleucine 128 with serine.
Molecular consequence: missense variant.
Genome position (GRCh38, 1-based): chr17:47,284,464, T>G. VCF-style: chr17-47284464-T-G. GRCh37 (hg19) VCF-style: chr17-45361830-T-G.
Other names: NM_000212.3:c.383T>G; short protein forms I128S.
Identifiers: ClinVar variation 3391411 (VCV003391411.2).